The following is an entry in ClinVar:

NM_019098.5(CNGB3):c.68G>T (p.Ser23Ile)

Gene: CNGB3 (cyclic nucleotide gated channel subunit beta 3; minus strand). Cytogenetic location: 8q21.3.
Variant type: single nucleotide variant.
Coding change: c.68G>T on transcript NM_019098.5 (MANE Select); coding-DNA position 68, G replaced by T.
Protein change: p.Ser23Ile; replaces serine 23 with isoleucine.
Molecular consequence: missense variant.
Genome position (GRCh38, 1-based): chr8:86,743,560, C>A on the plus strand (G>T on the coding strand, the complement: CNGB3 is on the minus strand). VCF-style: chr8-86743560-C-A. GRCh37 (hg19) VCF-style: chr8-87755788-C-A.
Other names: c.68G>T (NM_019098.4); short protein forms S23I.
Identifiers: ClinVar variation 1513174 (VCV001513174.9), dbSNP rs1475427899, ClinGen allele CA371452789.

ClinVar aggregate classification (germline): Uncertain significance. Review status: criteria provided, multiple submitters, no conflicts (2 of 4 stars). 2 submissions from 2 submitters: Uncertain significance (2). Last evaluated 2022-07-12.

Conditions:
Inborn genetic diseases. Identifiers: MedGen C0950123, MeSH D030342.

Allele frequency attached by ClinVar (database versions not stated): gnomAD exomes below 0.00001; TOPMed below 0.00001; gnomAD 0.00001.
gnomAD v4.1: 3 of 1,613,896 alleles (0.00019%); highest among the groups gnomAD compares: African/African-American, 0.0013%; no homozygotes.

Submissions (2):

Labcorp Genetics (formerly Invitae), Labcorp
Classification: Uncertain significance. Last evaluated: 2022-07-12. Review status: criteria provided, single submitter. Criteria: Invitae Variant Classification Sherloc (09022015). Collection method: clinical testing. Allele origin: germline.
Comment: This sequence change replaces serine, which is neutral and polar, with isoleucine, which is neutral and non-polar, at codon 23 of the CNGB3 protein (p.Ser23Ile). This variant is present in population databases (no rsID available, gnomAD 0.01%). This variant has not been reported in the literature in individuals affected with CNGB3-related conditions. ClinVar contains an entry for this variant (Variation ID: 1513174). Advanced modeling of protein sequence and biophysical properties (such as structural, functional, and spatial information, amino acid conservation, physicochemical variation, residue mobility, and thermodynamic stability) performed at Invitae indicates that this missense variant is not expected to disrupt CNGB3 protein function. In summary, the available evidence is currently insufficient to determine the role of this variant in disease. Therefore, it has been classified as a Variant of Uncertain Significance.

Ambry Genetics
Classification: Uncertain significance for Inborn genetic diseases. Last evaluated: 2022-06-09. Review status: criteria provided, single submitter. Criteria: Ambry Variant Classification Scheme 2023. Collection method: clinical testing. Allele origin: germline.